The following is an entry in ClinVar:

NM_000169.3(GLA):c.599A>G (p.Tyr200Cys)

Genes: GLA (galactosidase alpha; minus strand), RPL36A-HNRNPH2 (RPL36A-HNRNPH2 readthrough; plus strand). Cytogenetic location: Xq22.1.
Variant type: single nucleotide variant.
Coding change: c.599A>G on transcript NM_000169.3 (MANE Select); coding-DNA position 599, A replaced by G.
Protein change: p.Tyr200Cys; replaces tyrosine 200 with cysteine.
Molecular consequence: missense variant. On other transcripts: non-coding transcript variant (2), intron variant (2).
Genome position (GRCh38, 1-based): chrX:101,400,706, T>C on the plus strand (A>G on the coding strand, the complement: GLA is on the minus strand). VCF-style: chrX-101400706-T-C. GRCh37 (hg19) VCF-style: chrX-100655694-T-C.
Other names: c.722A>G, p.Tyr241Cys (NM_001406747.1); c.599A>G, p.Tyr200Cys (NM_001406748.1); c.300+5249T>C (NM_001199973.2); c.177+8884T>C (NM_001199974.2); short protein forms Y200C, Y241C.
Identifiers: ClinVar variation 4974899 (VCV004974899.1).
Genomic context (GRCh38, chrX:101,400,706, plus strand): 5'-TTCTGGGCTCACTATCTCACCTTTTGAAAGGGCCACATATAAAGAGGCCACTCACAGGAG[T>C]ACACAATGCTTCTGCCAGTCCTATTCAGGGCCAAGGACATGTGCTTATAACCTGTATGAG-3'
Protein context (NP_000160.1, residues 190-210): ALNRTGRSIV[Tyr200Cys]SCEWPLYMWP

ClinVar aggregate classification (germline): Pathogenic (1 of 4 stars; one submission).

Conditions:
Fabry disease. Also called: Fabry's disease; ALPHA-GALACTOSIDASE A DEFICIENCY; ANDERSON-FABRY DISEASE; CERAMIDE TRIHEXOSIDASE DEFICIENCY; GLA DEFICIENCY; HEREDITARY DYSTOPIC LIPIDOSIS. Identifiers: Orphanet 324, MedGen C0002986, MONDO:0010526, OMIM 301500, HP:0001071. Disease mechanism: Fabry disease is due to inactivating mutations in the X-linked GLA gene resulting in deficiency of the enzyme Alpha Galactosidase-A., loss of function.

Submission:

Genomenon, Inc
Classification: Pathogenic for Fabry disease. Last evaluated: 2026-09-08. Review status: criteria provided, single submitter. Criteria: Genomenon Sequence Variant Interpretation Standards - Updated. Collection method: curation. Allele origin: germline. Affected: yes.
Comment: GLA p.Tyr200Cys (c.599A>G) is a missense variant that changes the amino acid at codon 200 from Tyrosine to Cysteine. This variant has been observed in at least one proband with clinical features consistent with Fabry disease (PMID:29853467;36165155). At least one functional study has demonstrated a substantial alteration in protein function relative to the wild-type (PMID:27657681). This variant is located in a mutational hotspot and/or important functional domain. It is absent or not present at a significant frequency in gnomAD. In silico models predict that this variant is possibly or probably damaging. In conclusion, we classify GLA p.Tyr200Cys (c.599A>G) as a pathogenic variant.

Literature cited by the submitters: PubMed 29853467; PubMed 36165155; PubMed 27657681.